The following is an entry in ClinVar:

NM_006922.4(SCN3A):c.1664C>T (p.Pro555Leu)

Gene: SCN3A (sodium voltage-gated channel alpha subunit 3; minus strand). Cytogenetic location: 2q24.3.
Variant type: single nucleotide variant.
Coding change: c.1664C>T on transcript NM_006922.4 (MANE Select); coding-DNA position 1664, C replaced by T.
Protein change: p.Pro555Leu; replaces proline 555 with leucine.
Molecular consequence: missense variant.
Genome position (GRCh38, 1-based): chr2:165,146,746, G>A on the plus strand (C>T on the coding strand, the complement: SCN3A is on the minus strand). VCF-style: chr2-165146746-G-A. GRCh37 (hg19) VCF-style: chr2-166003256-G-A.
Other names: c.1664C>T, p.Pro555Leu (NM_001081676.2, NM_001081677.2); short protein forms P555L.
Identifiers: ClinVar variation 1704732 (VCV001704732.2), dbSNP rs2468360977, ClinGen allele CA349236244.

ClinVar aggregate classification (germline): Uncertain significance (1 of 4 stars; one submission).

Allele frequency attached by ClinVar (database versions not stated): gnomAD exomes below 0.00001.
gnomAD v4.1: 5 of 1,613,972 alleles (0.00031%); highest among the groups gnomAD compares: Non-Finnish European, 0.00042%; no homozygotes.

Submission:

GeneDx
Classification: Uncertain significance. Last evaluated: 2022-03-01. Review status: criteria provided, single submitter. Criteria: GeneDx Variant Classification Process June 2021. Collection method: clinical testing. Allele origin: germline. Affected: yes.
Comment: Not observed at significant frequency in large population cohorts (gnomAD); In silico analysis supports that this missense variant has a deleterious effect on protein structure/function; Has not been previously published as pathogenic or benign to our knowledge